The following is an entry in ClinVar:

ClinVar aggregate classification (germline): Uncertain significance (1 of 4 stars; one submission).

Submission:

Ambry Genetics
Classification: Uncertain significance. Last evaluated: 2023-01-05. Review status: criteria provided, single submitter. Criteria: Ambry Variant Classification Scheme 2023. Collection method: clinical testing. Allele origin: germline.
Comment: The p.S2870R variant (also known as c.8610C>G), located in coding exon 63 of the PRKDC gene, results from a C to G substitution at nucleotide position 8610. The serine at codon 2870 is replaced by arginine, an amino acid with dissimilar properties. This amino acid position is conserved. In addition, this alteration is predicted to be tolerated by in silico analysis. Since supporting evidence is limited at this time, the clinical significance of this alteration remains unclear.

NM_006904.7(PRKDC):c.8610C>G (p.Ser2870Arg)

Genes: PRKDC (protein kinase, DNA-activated, catalytic subunit; minus strand), LOC121740717 (Sharpr-MPRA regulatory region 7649; plus strand). Cytogenetic location: 8q11.21.
Variant type: single nucleotide variant.
Coding change: c.8610C>G on transcript NM_006904.7 (MANE Select); coding-DNA position 8610, C replaced by G.
Protein change: p.Ser2870Arg; replaces serine 2870 with arginine.
Molecular consequence: missense variant.
Genome position (GRCh38, 1-based): chr8:47,826,829, G>C on the plus strand (C>G on the coding strand, the complement: PRKDC is on the minus strand). VCF-style: chr8-47826829-G-C. GRCh37 (hg19) VCF-style: chr8-48739390-G-C.
Other names: c.8610C>G, p.Ser2870Arg (NM_001081640.2); short protein forms S2870R.
Identifiers: ClinVar variation 2449855 (VCV002449855.2), dbSNP rs2551866161, ClinGen allele CA371144118.